The following is an entry in ClinVar:

ClinVar aggregate classification (germline): Likely pathogenic (1 of 4 stars; one submission).

Conditions:
Mucopolysaccharidosis, MPS-IV-A (MPS4A). Also called: Morquio syndrome A, mild; MORQUIO SYNDROME A; GALACTOSAMINE-6-SULFATASE DEFICIENCY; GALNS DEFICIENCY; MORQUIO A DISEASE; Mucopolysaccharidosis type IV A. Identifiers: Orphanet 309297, Orphanet 582, MedGen C0086651, MONDO:0009659, OMIM 253000.

Submission:

Labcorp Genetics (formerly Invitae), Labcorp
Classification: Likely pathogenic for Mucopolysaccharidosis, MPS-IV-A. Last evaluated: 2023-03-26. Review status: criteria provided, single submitter. Criteria: Invitae Variant Classification Sherloc (09022015). Collection method: clinical testing. Allele origin: germline.
Comment: This sequence change affects a splice site in intron 12 of the GALNS gene. It is expected to disrupt RNA splicing. Variants that disrupt the donor or acceptor splice site typically lead to a loss of protein function (PMID: 16199547), and loss-of-function variants in GALNS are known to be pathogenic (PMID: 12442278). This variant is not present in population databases (gnomAD no frequency). This variant has not been reported in the literature in individuals affected with GALNS-related conditions. Algorithms developed to predict the effect of sequence changes on RNA splicing suggest that this variant may disrupt the consensus splice site. In summary, the currently available evidence indicates that the variant is pathogenic, but additional data are needed to prove that conclusively. Therefore, this variant has been classified as Likely Pathogenic.

Literature cited by the submitters: PubMed 16199547; PubMed 12442278.

NM_000512.5(GALNS):c.1364+2_1364+15del

Gene: GALNS (galactosamine (N-acetyl)-6-sulfatase; minus strand). Cytogenetic location: 16q24.3.
Variant type: Deletion.
Coding change: c.1364+2_1364+15del on transcript NM_000512.5 (MANE Select); the canonical splice donor site of the intron after coding-DNA position 1364 through 15 bases into the intron after coding-DNA position 1364, 14 bases deleted (TGAGTCGGTGCAGG).
Molecular consequence: splice donor variant.
Genome position (GRCh38, 1-based): chr16:88,822,574-88,822,587, CCTGCACCGACTCA deleted on the plus strand (TGAGTCGGTGCAGG on the coding strand, the reverse complement: GALNS is on the minus strand); deleting any 14 consecutive bases within chr16:88,822,574-88,822,591 gives the same sequence; the c. name uses the placement nearest the transcript's 3' end. VCF-style (leftmost placement, unchanged base first): chr16-88822573-CCCTGCACCGACTCA-C. GRCh37 (hg19) VCF-style: chr16-88888981-CCCTGCACCGACTCA-C.
Other names: c.809+2_809+15del (NM_001323543.2); c.1382+2_1382+15del (NM_001323544.2).
Identifiers: ClinVar variation 2849625 (VCV002849625.3), dbSNP rs2543443299, ClinGen allele CA2739266956.
Genomic context (GRCh38, chr16:88,822,573, plus strand): 5'-TGTCCCTGTGGAGCCTGCATTTGGGGGAGTCCGGCTGGCACTGCCTCAGCAGCCAGGAGG[CCCTGCACCGACTCA>C]CCTGAGGGGGAACCTCTCCCCTGGGTCCCGTCCCAGGTGGAAGATCAGGGGCAGCTTCGT-3'